The following is an entry in ClinVar:

NM_001330195.2(NRXN3):c.1361C>T (p.Pro454Leu)

Genes: NRXN3 (neurexin 3; plus strand), NRXN3-AS2 (NRXN3 antisense RNA 2; minus strand). Cytogenetic location: 14q24.3.
Variant type: single nucleotide variant.
Coding change: c.1361C>T on transcript NM_001330195.2 (MANE Select); coding-DNA position 1361, C replaced by T.
Protein change: p.Pro454Leu; replaces proline 454 with leucine.
Molecular consequence: missense variant. On other transcripts: non-coding transcript variant (5).
Genome position (GRCh38, 1-based): chr14:78,709,356, C>T. VCF-style: chr14-78709356-C-T. GRCh37 (hg19) VCF-style: chr14-79175699-C-T.
Other names: c.1361C>T, p.Pro454Leu (NM_001366425.1); c.1373C>T, p.Pro458Leu (NM_001366426.1); c.242C>T, p.Pro81Leu (NM_004796.6); short protein forms P454L, P458L, P81L.
Identifiers: ClinVar variation 4986401 (VCV004986401.1).

ClinVar aggregate classification (germline): Uncertain significance (1 of 4 stars; one submission).

Conditions:
NRXN3-related disorder. Also called: NRXN3-related condition.

Submission:

PreventionGenetics, part of Exact Sciences
Classification: Uncertain significance for NRXN3-related condition. Last evaluated: 2024-12-11. Review status: criteria provided, single submitter. Criteria: ACMG Guidelines, 2015. Collection method: clinical testing. Allele origin: germline.
Comment: The NRXN3 c.242C>T variant is predicted to result in the amino acid substitution p.Pro81Leu. To our knowledge, this variant has not been reported in the literature or in a large population database (gnomAD), indicating this variant is rare. At this time, the clinical significance of this variant is uncertain due to the absence of conclusive functional and genetic evidence.